The following is an entry in ClinVar:

ClinVar aggregate classification (germline): Likely benign (1 of 4 stars; one submission).

gnomAD v4.1: 5 of 1,613,758 alleles (0.00031%); highest among the groups gnomAD compares: Non-Finnish European, 0.000085%; no homozygotes.

Submission:

Mayo Clinic Laboratories, Mayo Clinic
Classification: Likely benign. Last evaluated: 2024-10-16. Review status: criteria provided, single submitter. Criteria: ACMG Guidelines, 2015. Collection method: clinical testing. Allele origin: germline. Observed: 1 variant allele.
Comment: BP4, BP7

NM_001080421.3(UNC13A):c.3502C>T (p.Leu1168=)

Gene: UNC13A (unc-13 homolog A; minus strand). Cytogenetic location: 19p13.11.
Variant type: single nucleotide variant.
Coding change: c.3502C>T on transcript NM_001080421.3 (MANE Select); coding-DNA position 3502, C replaced by T.
Protein change: p.Leu1168=; no amino-acid change (leucine 1168 retained).
Molecular consequence: synonymous variant.
Genome position (GRCh38, 1-based): chr19:17,630,677, G>A on the plus strand (C>T on the coding strand, the complement: UNC13A is on the minus strand). VCF-style: chr19-17630677-G-A. GRCh37 (hg19) VCF-style: chr19-17741486-G-A.
Other names: p.Leu1168=; c.3496C>T, p.Leu1166= (NM_001387021.1, NM_001387022.1, NM_001387023.1).
Identifiers: ClinVar variation 4684351 (VCV004684351.1).